The following is an entry in ClinVar:

NM_000245.4(MET):c.-207C>G

Genes: COMETT (cytosolic oncogenic antisense to MET transcript; minus strand), MET (MET proto-oncogene, receptor tyrosine kinase; plus strand). Cytogenetic location: 7q31.2.
Variant type: single nucleotide variant.
Coding change: c.-207C>G on transcript NM_000245.4 (MANE Select); 207 bases upstream of the start codon, C replaced by G.
Molecular consequence: 5 prime UTR variant.
Genome position (GRCh38, 1-based): chr7:116,672,385, C>G. VCF-style: chr7-116672385-C-G. GRCh37 (hg19) VCF-style: chr7-116312439-C-G.
Other names: c.-207C>G (NM_001127500.3, NM_001324401.3); c.-283C>G (NM_001324402.2).
Identifiers: ClinVar variation 1166750 (VCV001166750.12), dbSNP rs1858830, ClinGen allele CA12519323.
Genomic context (GRCh38, chr7:116,672,385, plus strand): 5'-GCGTGTGGGAAGGGGCGGAGGGAGTGCGGCCGGCGGGCGGGCGGGGCGCTGGGCTCAGCC[C>G]GGCCGCAGGTGACCCGGAGGCCCTCGCCGCCCGCGGCGCCCCGAGCGCTTTGTGAGCAGA-3'

ClinVar aggregate classification (germline): Benign. Review status: criteria provided, multiple submitters, no conflicts (2 of 4 stars). 3 submissions from 3 submitters: Benign (3). Last evaluated 2026-02-02.

Conditions:
Renal cell carcinoma. Identifiers: Orphanet 217071, MedGen C0007134, MeSH D002292, MONDO:0005086, HP:0005584.

Allele frequency attached by ClinVar (database versions not stated): gnomAD 0.39920 and 0.40838; TOPMed 0.40329; 1000 Genomes Project 30x 0.45597; 1000 Genomes Project 0.45747; gnomAD exomes 0.46312.
gnomAD v4.1: 163,573 of 371,524 alleles (44%); highest among the groups gnomAD compares: East Asian, 63%; 37,707 homozygotes.

Submissions (3):

Labcorp Genetics (formerly Invitae), Labcorp
Classification: Benign for Renal cell carcinoma. Last evaluated: 2026-02-02. Review status: criteria provided, single submitter. Criteria: Invitae Variant Classification Sherloc (09022015). Collection method: clinical testing. Allele origin: germline.

GeneDx
Classification: Benign. Last evaluated: 2018-06-23. Review status: criteria provided, single submitter. Criteria: GeneDx Variant Classification Process June 2021. Collection method: clinical testing. Allele origin: germline. Affected: yes.
Comment: This variant is associated with the following publications: (PMID: 17053076, 24150225, 24909855, 23097380, 19681062)

Breakthrough Genomics
Classification: Benign. Review status: criteria provided, single submitter. Criteria: ACMG Guidelines, 2015. Collection method: not provided. Allele origin: germline. Inheritance: Autosomal recessive inheritance. Affected: yes.